The following is an entry in ClinVar:

ClinVar aggregate classification (germline): Uncertain significance (1 of 4 stars; one submission).

Conditions:
Myasthenic syndrome, congenital, 22 (CMS22). Also called: PREPL DEFICIENCY. Identifiers: MedGen C4479088, MONDO:0044299, OMIM 616224.

Allele frequency attached by ClinVar (database versions not stated): gnomAD 0.00001; gnomAD exomes 0.00001.
gnomAD v4.1: 8 of 1,613,610 alleles (0.0005%); highest among the groups gnomAD compares: Non-Finnish European, 0.00068%; no homozygotes.

Submission:

Labcorp Genetics (formerly Invitae), Labcorp
Classification: Uncertain significance for Myasthenic syndrome, congenital, 22. Last evaluated: 2022-05-28. Review status: criteria provided, single submitter. Criteria: Invitae Variant Classification Sherloc (09022015). Collection method: clinical testing. Allele origin: germline.
Comment: Algorithms developed to predict the effect of missense changes on protein structure and function are either unavailable or do not agree on the potential impact of this missense change (SIFT: "Deleterious"; PolyPhen-2: "Possibly Damaging"; Align-GVGD: "Class C0"). This variant has not been reported in the literature in individuals affected with PREPL-related conditions. This variant is present in population databases (no rsID available, gnomAD 0.002%). This sequence change replaces isoleucine, which is neutral and non-polar, with methionine, which is neutral and non-polar, at codon 503 of the PREPL protein (p.Ile503Met). In summary, the available evidence is currently insufficient to determine the role of this variant in disease. Therefore, it has been classified as a Variant of Uncertain Significance.

NM_001171613.2(PREPL):c.1242A>G (p.Ile414Met)

Gene: PREPL (prolyl endopeptidase like; minus strand). Cytogenetic location: 2p21.
Variant type: single nucleotide variant.
Coding change: c.1242A>G on transcript NM_001171613.2 (MANE Select); coding-DNA position 1242, A replaced by G.
Protein change: p.Ile414Met; replaces isoleucine 414 with methionine.
Molecular consequence: missense variant.
Genome position (GRCh38, 1-based): chr2:44,328,957, T>C on the plus strand (A>G on the coding strand, the complement: PREPL is on the minus strand). VCF-style: chr2-44328957-T-C. GRCh37 (hg19) VCF-style: chr2-44556096-T-C.
Other names: c.1323A>G, p.Ile441Met (NM_001042385.2); c.1311A>G, p.Ile437Met (NM_001042386.2); c.1509A>G, p.Ile503Met (NM_001171603.1, NM_001171606.2, NM_001374275.1 and 2 more transcripts); c.1242A>G, p.Ile414Met (NM_001171617.1, NM_001374277.1); short protein forms I414M, I441M, I437M, I503M.
Identifiers: ClinVar variation 1974843 (VCV001974843.4), dbSNP rs1480510100, ClinGen allele CA346690397.